The following is an entry in ClinVar:

ClinVar aggregate classification (germline): Pathogenic/Likely pathogenic. Review status: criteria provided, multiple submitters, no conflicts (2 of 4 stars). 13 submissions from 12 submitters: Pathogenic (4); Likely pathogenic (7). 2 of the submissions do not count toward it. Last evaluated 2026-06-29.

Conditions:
Developmental and epileptic encephalopathy, 11 (DEE11). Also called: Early infantile epileptic encephalopathy 11. Identifiers: Orphanet 1934, MedGen C3150987, MONDO:0013388, OMIM 613721.
Seizures, benign familial infantile, 3 (BFIS3). Also called: CONVULSIONS, BENIGN FAMILIAL INFANTILE, 3; Familial neonatal seizures. Identifiers: Orphanet 140927, Orphanet 306, MedGen C1843140, MONDO:0011904, OMIM 607745.
Episodic ataxia, type 9. Identifiers: MedGen C5394520, MONDO:0030064, OMIM 618924.
SCN2A-related disorder. Also called: SCN2A-related disorders; SCN2A-related condition. Identifiers: MedGen CN382226, MONDO:1060245.
Epilepsy. Also called: Seizure disorder. Identifiers: MedGen C0014544, MeSH D004827, MONDO:0005027.

Allele frequency attached by ClinVar (database versions not stated): gnomAD exomes below 0.00001.
gnomAD v4.1: 3 of 1,614,042 alleles (0.00019%); highest among the groups gnomAD compares: Non-Finnish European, 0.00025%; no homozygotes.

Submissions (13):

Cytogénomique, Hospices Civils de Lyon
Classification: Pathogenic for Epilepsy. Last evaluated: 2026-06-29. Review status: criteria provided, single submitter. Criteria: ACMG Guidelines, 2015. Collection method: clinical testing. Allele origin: germline. Affected: yes.

Labcorp Genetics (formerly Invitae), Labcorp
Classification: Pathogenic for Seizures, benign familial infantile, 3; Developmental and epileptic encephalopathy, 11. Last evaluated: 2025-12-26. Review status: criteria provided, single submitter. Criteria: Invitae Variant Classification Sherloc (09022015). Collection method: clinical testing. Allele origin: germline.
Comment: This sequence change replaces valine, which is neutral and non-polar, with isoleucine, which is neutral and non-polar, at codon 892 of the SCN2A protein (p.Val892Ile). This variant is not present in population databases (gnomAD no frequency). This missense change has been observed in individual(s) with benign familial neonatal-infantile seizures (PMID: 15048894, 29215089). It has also been observed to segregate with disease in related individuals. ClinVar contains an entry for this variant (Variation ID: 12878). Invitae Evidence Modeling of protein sequence and biophysical properties (such as structural, functional, and spatial information, amino acid conservation, physicochemical variation, residue mobility, and thermodynamic stability) indicates that this missense variant is expected to disrupt SCN2A protein function with a positive predictive value of 95%. For these reasons, this variant has been classified as Pathogenic.

PreventionGenetics, part of Exact Sciences
Classification: Pathogenic for SCN2A-related condition. Last evaluated: 2025-10-10. Review status: criteria provided, single submitter. Criteria: ACMG Guidelines, 2015. Collection method: clinical testing. Allele origin: germline.
Comment: The SCN2A c.2674G>A variant is predicted to result in the amino acid substitution p.Val892Ile. This variant has been reported in several families segregating with benign familial neonatal-infantile seizures (see for example, Berkovic et al. 2004. PubMed ID: 15048894; Zeng et al. 2018. PubMed ID: 29215089). This variant has not been reported in a large population database (gnomAD), indicating it is rare. This variant is interpreted as pathogenic.

Neuberg Centre For Genomic Medicine, NCGM
Classification: Likely pathogenic for Developmental and epileptic encephalopathy, 11. Last evaluated: 2023-06-22. Review status: criteria provided, single submitter. Criteria: ACMG Guidelines, 2015. Collection method: clinical testing. Allele origin: germline. Inheritance: Autosomal dominant inheritance. Affected: yes.
Comment: The observed missense c.2674G>A(p.Val892Ile) variant in SCN2A gene has been previously observed in multiple individuals affected with Benign Familial Neonatal-Infantile Seizures (Zeng Q, et al, 2018; Berkovic SF, et al., 2004). This variant has also been observed to segregate with disease in related individuals. This variant is absent in the gnomAD Exomes. The variant has been submitted to ClinVar as Pathogenic / Likely Pathogenic (multiple submissions). Multiple lines of computational evidences (Polyphen - Probably damaging, SIFT - Tolerated and MutationTaster - Disease causing) predict conflicting evidence on protein structure and function for this variant. The reference amino acid at this position in SCN2A gene is predicted as conserved by GERP++ and PhyloP across 100 vertebrates. The amino acid Val at position 892 is changed to a Ile changing protein sequence and it might alter its composition and physico-chemical properties. For these reasons, this variant has been classified as Likely Pathogenic.

Blueprint Genetics
Classification: Likely pathogenic for SCN2A-related disorders. Last evaluated: 2023-03-02. Review status: criteria provided, single submitter. Criteria: ACMG Guidelines, 2015. Collection method: clinical testing. Allele origin: germline. Affected: yes. Observed: 2 variant alleles.

Clinical Genetics Laboratory, Skane University Hospital Lund
Classification: Likely pathogenic. Last evaluated: 2023-01-12. Review status: criteria provided, single submitter. Criteria: ACMG Guidelines, 2015. Collection method: clinical testing. Allele origin: germline. Affected: yes.

CeGaT Center for Human Genetics Tuebingen
Classification: Likely pathogenic. Last evaluated: 2022-02-01. Review status: criteria provided, single submitter. Criteria: CeGaT Center For Human Genetics Tuebingen Variant Classification Criteria Version 2. Collection method: clinical testing. Allele origin: germline. Affected: yes. Observed: 1 variant allele.

GeneDx
Classification: Likely pathogenic. Last evaluated: 2021-01-25. Review status: criteria provided, single submitter. Criteria: GeneDx Variant Classification Process June 2021. Collection method: clinical testing. Allele origin: germline. Affected: yes.
Comment: Not observed in large population cohorts (Lek et al., 2016); Missense variants in this gene are often considered pathogenic (Stenson et al., 2014); In silico analysis supports that this missense variant does not alter protein structure/function; This substitution is predicted to be within the transmembrane segment S5 of the second homologous domain; This variant is associated with the following publications: (PMID: 15048894, 28717674, 29215089, 29655203, 29429461, 32090326)

Center for Genomics, Ann and Robert H. Lurie Children's Hospital of Chicago
Classification: Likely pathogenic for Developmental and epileptic encephalopathy, 11; Seizures, benign familial infantile, 3. Last evaluated: 2018-08-15. Review status: criteria provided, single submitter. Criteria: ACMG Guidelines, 2015. Collection method: clinical testing. Allele origin: germline.
Comment: SCN2A NM_021007.2 exon 16 p.Val892Ile (c.2674G>A): This variant has been reported in the literature in at least 2 individuals with Benign Familial Neonatal-Infantile Epilepsy (BFNIE), segregating with disease in at least 5 affected family members (Berkovic 2004 PMID:15048894, Zeng 2018 PMID:29215089). This variant is not present in large control databases. This variant is present in ClinVar (Variation ID:12878). Evolutionary conservation and computational predictive tools suggest that this variant may impact the protein. In summary, data on this variant is highly suspicious for disease, but requires further evidence for pathogenicity. Therefore, this variant classified as likely pathogenic.

Center for Genomics, Ann and Robert H. Lurie Children's Hospital of Chicago
Classification: Likely pathogenic for Seizures, benign familial infantile, 3; Developmental and epileptic encephalopathy, 11; Episodic ataxia, type 9. Review status: criteria provided, single submitter. Criteria: ACMG Guidelines, 2015. Collection method: clinical testing. Allele origin: germline.
Comment: the same text as in the submission from Center for Genomics, Ann and Robert H. Lurie Children's Hospital of Chicago above.

Juno Genomics, Hangzhou Juno Genomics, Inc
Classification: Pathogenic for Developmental and epileptic encephalopathy, 11; Episodic ataxia, type 9; Seizures, benign familial infantile, 3. Review status: criteria provided, single submitter. Criteria: ACMG Guidelines, 2015. Collection method: clinical testing. Allele origin: germline. Affected: yes.
Comment: Absent from controls (or at extremely low frequency if recessive) in Genome Aggregation Database, Exome Sequencing Project, 1000 Genomes Project, or Exome Aggregation Consortium.;The prevalence of the variant in affected individuals is significantly increased compared to the prevalence in controls.;Co-segregation with disease in multiple affected family members in a gene definitively known to cause the disease.;De novo (both maternity and paternity confirmed) in a patient with the disease and no family history.;Patient's phenotype or family history is highly specific for a disease with a single genetic etiology.

Neurology Department, Shenzhen Children's Hospital
Classification: Pathogenic for Seizures, benign familial infantile, 3. Last evaluated: 2022-02-16. Review status: no assertion criteria provided. Collection method: clinical testing. Allele origin: maternal. Affected: yes. Not counted in ClinVar's aggregate classification.

OMIM
Classification: Pathogenic for SEIZURES, BENIGN FAMILIAL INFANTILE, 3. Last evaluated: 2004-04-01. Review status: no assertion criteria provided. Collection method: literature only. Allele origin: germline. Not counted in ClinVar's aggregate classification.

Literature cited by the submitters: PubMed 15048894 (cited by Labcorp Genetics (formerly Invitae), Labcorp and OMIM); PubMed 29215089 (cited by Labcorp Genetics (formerly Invitae), Labcorp); PubMed 6660252 (cited by OMIM).

NM_001040142.2(SCN2A):c.2674G>A (p.Val892Ile)

Gene: SCN2A (sodium voltage-gated channel alpha subunit 2; plus strand). Cytogenetic location: 2q24.3.
Variant type: single nucleotide variant.
Coding change: c.2674G>A on transcript NM_001040142.2 (MANE Select); coding-DNA position 2674, G replaced by A.
Protein change: p.Val892Ile; replaces valine 892 with isoleucine.
Molecular consequence: missense variant.
Genome position (GRCh38, 1-based): chr2:165,344,666, G>A. VCF-style: chr2-165344666-G-A. GRCh37 (hg19) VCF-style: chr2-166201176-G-A.
Other names: p.V892I:GTC>ATC; c.2674G>A, p.Val892Ile (NM_001040143.2, NM_001371246.1, NM_001371247.1 and 1 more transcripts); short protein forms V892I.
Identifiers: ClinVar variation 12878 (VCV000012878.60), dbSNP rs121917751, ClinGen allele CA122770.
Genomic context (GRCh38, chr2:165,344,666, plus strand): 5'-AAGATCATTGGCAATTCTGTGGGGGCTCTAGGAAACCTCACCTTGGTATTGGCCATCATC[G>A]TCTTCATTTTTGCTGTGGTCGGCATGCAGCTCTTTGGTAAGAGCTACAAAGAATGTGTCT-3'
Protein context (NP_001035232.1, residues 882-902): GNLTLVLAII[Val892Ile]FIFAVVGMQL